The following is an entry in ClinVar:

ClinVar aggregate classification (germline): Conflicting classifications of pathogenicity. Review status: criteria provided, conflicting classifications (1 of 4 stars). 10 submissions from 10 submitters: Uncertain significance (2); Likely benign (4). 4 of the submissions do not count toward it. Last evaluated 2026-01-18.

Conditions:
Hereditary cancer-predisposing syndrome. Also called: Neoplastic Syndromes, Hereditary; Hereditary neoplastic syndrome; Tumor predisposition; Hereditary Cancer Syndrome. Identifiers: Orphanet 140162, MedGen C0027672, MeSH D009386, MONDO:0015356.
BLM-related disorder. Also called: BLM-related condition.
Bloom syndrome (BLM). Also called: Bloom-Torre-Machacek syndrome. Identifiers: Orphanet 125, MedGen C0005859, MONDO:0008876, OMIM 210900.

Allele frequency attached by ClinVar (database versions not stated): ExAC 0.00005; gnomAD exomes 0.00011 and 0.00019; gnomAD 0.00012 and 0.00013; TOPMed 0.00012; ESP Exome Variant Server 0.00015.
gnomAD v4.1: 303 of 1,614,066 alleles (0.019%); highest among the groups gnomAD compares: Non-Finnish European, 0.024%; no homozygotes.

Submissions (10):

Labcorp Genetics (formerly Invitae), Labcorp
Classification: Likely benign for Bloom syndrome. Last evaluated: 2026-01-18. Review status: criteria provided, single submitter. Criteria: Invitae Variant Classification Sherloc (09022015). Collection method: clinical testing. Allele origin: germline.

CeGaT Center for Human Genetics Tuebingen
Classification: Likely benign. Last evaluated: 2025-04-01. Review status: criteria provided, single submitter. Criteria: CeGaT Center For Human Genetics Tuebingen Variant Classification Criteria Version 2. Collection method: clinical testing. Allele origin: germline. Affected: yes. Observed: 1 variant allele.
Comment: BLM: BP4, BP7

Sema4
Classification: Uncertain significance for Hereditary cancer-predisposing syndrome. Last evaluated: 2021-11-06. Review status: criteria provided, single submitter. Criteria: Sema4 Curation Guidelines. Collection method: curation. Allele origin: germline.
Comment: The BLM c.3828G>A (p.A1276=) variant has not been reported in the literature to our knowledge. It was observed in 28/129184 chromosomes of the Non-Finnish European (NFE) subpopulation, with 0 homozygotes, in the large and broad cohorts of the Genome Aggregation Database (PMID: 32461654).The variant has been reported in ClinVar (Variation ID: 405304). In silico tools suggest the variant may create a cryptic splice site though these predictions have not been confirmed by functional studies. The evidence is insufficient to meet ACMG/AMP criteria for classifying the variant as benign or pathogenic. Thus, the clinical significance of this variant is currently uncertain.

Genetic Services Laboratory, University of Chicago
Classification: Likely benign. Last evaluated: 2019-08-27. Review status: criteria provided, single submitter. Criteria: ACMG Guidelines, 2015. Collection method: clinical testing. Allele origin: germline. Affected: no.

Illumina Laboratory Services, Illumina
Classification: Uncertain significance for Bloom syndrome. Last evaluated: 2018-01-13. Review status: criteria provided, single submitter. Criteria: ICSL Variant Classification Criteria 13 December 2019. Collection method: clinical testing. Allele origin: germline.

Ambry Genetics
Classification: Likely benign for Hereditary cancer-predisposing syndrome. Last evaluated: 2017-02-08. Review status: criteria provided, single submitter. Criteria: Ambry Variant Classification Scheme 2023. Collection method: clinical testing. Allele origin: germline.

PreventionGenetics, part of Exact Sciences
Classification: Likely benign for BLM-related condition. Last evaluated: 2022-02-03. Review status: no assertion criteria provided. Collection method: clinical testing. Allele origin: germline. Not counted in ClinVar's aggregate classification.
Comment: This variant is classified as likely benign based on ACMG/AMP sequence variant interpretation guidelines (Richards et al. 2015 PMID: 25741868, with internal and published modifications).

Natera, Inc.
Classification: Uncertain significance for Bloom syndrome. Last evaluated: 2018-05-31. Review status: no assertion criteria provided. Collection method: clinical testing. Allele origin: germline. Not counted in ClinVar's aggregate classification.

Clinical Genetics DNA and cytogenetics Diagnostics Lab, Erasmus MC, Erasmus Medical Center
Classification: Likely benign. Review status: no assertion criteria provided. Collection method: clinical testing. Allele origin: germline. Affected: yes. Study: VKGL Data-share Consensus. Not counted in ClinVar's aggregate classification.

Genome Diagnostics Laboratory, Amsterdam University Medical Center
Classification: Likely benign. Review status: no assertion criteria provided. Collection method: clinical testing. Allele origin: germline. Affected: yes. Study: VKGL Data-share Consensus. Not counted in ClinVar's aggregate classification.

NM_000057.4(BLM):c.3828G>A (p.Ala1276=)

Gene: BLM (BLM RecQ like helicase; plus strand). Cytogenetic location: 15q26.1.
Variant type: single nucleotide variant.
Coding change: c.3828G>A on transcript NM_000057.4 (MANE Select); coding-DNA position 3828, G replaced by A.
Protein change: p.Ala1276=; no amino-acid change (alanine 1276 retained).
Molecular consequence: synonymous variant.
Genome position (GRCh38, 1-based): chr15:90,809,213, G>A. VCF-style: chr15-90809213-G-A. GRCh37 (hg19) VCF-style: chr15-91352443-G-A.
Other names: c.3828G>A (LRG_20t1); c.3828G>A, p.Ala1276= (NM_001287246.2); c.3435G>A, p.Ala1145= (NM_001287247.2); c.2703G>A, p.Ala901= (NM_001287248.2).
Identifiers: ClinVar variation 405304 (VCV000405304.35), dbSNP rs369383272, ClinGen allele CA7739117.